The following is an entry in ClinVar:

ClinVar aggregate classification (germline): Uncertain significance (1 of 4 stars; one submission).

Allele frequency attached by ClinVar (database versions not stated): gnomAD exomes below 0.00001.
gnomAD v4.1: 2 of 1,613,674 alleles (0.00012%); highest among the groups gnomAD compares: Non-Finnish European, 0.000085%; no homozygotes.

Submission:

Labcorp Genetics (formerly Invitae), Labcorp
Classification: Uncertain significance. Last evaluated: 2022-12-13. Review status: criteria provided, single submitter. Criteria: Invitae Variant Classification Sherloc (09022015). Collection method: clinical testing. Allele origin: germline.
Comment: Algorithms developed to predict the effect of sequence changes on RNA splicing suggest that this variant may disrupt the consensus splice site. In summary, the available evidence is currently insufficient to determine the role of this variant in disease. Therefore, it has been classified as a Variant of Uncertain Significance. Advanced modeling of protein sequence and biophysical properties (such as structural, functional, and spatial information, amino acid conservation, physicochemical variation, residue mobility, and thermodynamic stability) performed at Invitae indicates that this missense variant is not expected to disrupt DSG1 protein function. ClinVar contains an entry for this variant (Variation ID: 1719326). This variant has not been reported in the literature in individuals affected with DSG1-related conditions. This variant is not present in population databases (gnomAD no frequency). This sequence change replaces glycine, which is neutral and non-polar, with serine, which is neutral and polar, at codon 639 of the DSG1 protein (p.Gly639Ser).

NM_001942.4(DSG1):c.1915G>A (p.Gly639Ser)

Genes: DSG1 (desmoglein 1; plus strand), DSG1-AS1 (DSG1 antisense RNA 1; minus strand). Cytogenetic location: 18q12.1.
Variant type: single nucleotide variant.
Coding change: c.1915G>A on transcript NM_001942.4 (MANE Select); coding-DNA position 1915, G replaced by A.
Protein change: p.Gly639Ser; replaces glycine 639 with serine.
Molecular consequence: missense variant.
Genome position (GRCh38, 1-based): chr18:31,346,013, G>A. VCF-style: chr18-31346013-G-A. GRCh37 (hg19) VCF-style: chr18-28925976-G-A.
Other names: short protein forms G639S.
Identifiers: ClinVar variation 1719326 (VCV001719326.5), dbSNP rs2510839661, ClinGen allele CA402118603.